The following is an entry in ClinVar:

ClinVar aggregate classification (germline): Uncertain significance (1 of 4 stars; one submission).

Conditions:
Hyperornithinemia-hyperammonemia-homocitrullinuria syndrome (HHHS). Also called: HHH SYNDROME; Ornithine translocase deficiency. Identifiers: Orphanet 415, MedGen C0268540, MONDO:0009393, OMIM 238970.

Submission:

Labcorp Genetics (formerly Invitae), Labcorp
Classification: Uncertain significance for Hyperornithinemia-hyperammonemia-homocitrullinuria syndrome. Last evaluated: 2022-09-09. Review status: criteria provided, single submitter. Criteria: Invitae Variant Classification Sherloc (09022015). Collection method: clinical testing. Allele origin: germline.
Comment: A copy number gain of the genomic region encompassing the full coding sequence of the SLC25A15 gene has been identified. The boundaries of this event are unknown as they extend beyond the assayed region for this gene and therefore may encompass additional genes. As the precise location of this event is unknown, it may be in tandem or it may be located elsewhere in the genome. This variant has not been reported in the literature in individuals affected with SLC25A15-related conditions. In summary, the available evidence is currently insufficient to determine the role of this variant in disease. Therefore, it has been classified as a Variant of Uncertain Significance.

NC_000013.10:g.(?_41367363)_(41383803_?)dup

Gene: SLC25A15 (solute carrier family 25 member 15; plus strand). Cytogenetic location: 13q14.11.
Variant type: Duplication.
Identifiers: ClinVar variation 2425928 (VCV002425928.3).